The following is an entry in ClinVar:

ClinVar aggregate classification (germline): Uncertain significance (1 of 4 stars; one submission).

Allele frequency attached by ClinVar (database versions not stated): gnomAD 0.00001 and 0.00002; TOPMed 0.00001; gnomAD exomes 0.00002 and 0.00003; ExAC 0.00004; 1000 Genomes Project 30x 0.00016; 1000 Genomes Project 0.00020.
gnomAD v4.1: 38 of 1,611,494 alleles (0.0024%); highest among the groups gnomAD compares: South Asian, 0.036%; no homozygotes.

Submission:

Labcorp Genetics (formerly Invitae), Labcorp
Classification: Uncertain significance. Last evaluated: 2023-07-12. Review status: criteria provided, single submitter. Criteria: Invitae Variant Classification Sherloc (09022015). Collection method: clinical testing. Allele origin: germline.
Comment: This sequence change replaces alanine, which is neutral and non-polar, with valine, which is neutral and non-polar, at codon 104 of the SPPL2A protein (p.Ala104Val). This variant is present in population databases (rs535221557, gnomAD 0.03%). This variant has not been reported in the literature in individuals affected with SPPL2A-related conditions. ClinVar contains an entry for this variant (Variation ID: 1461316). An algorithm developed to predict the effect of missense changes on protein structure and function (PolyPhen-2) suggests that this variant is likely to be disruptive. In summary, the available evidence is currently insufficient to determine the role of this variant in disease. Therefore, it has been classified as a Variant of Uncertain Significance.

NM_032802.4(SPPL2A):c.311C>T (p.Ala104Val)

Gene: SPPL2A (signal peptide peptidase like 2A; minus strand). Cytogenetic location: 15q21.2.
Variant type: single nucleotide variant.
Coding change: c.311C>T on transcript NM_032802.4 (MANE Select); coding-DNA position 311, C replaced by T.
Protein change: p.Ala104Val; replaces alanine 104 with valine.
Molecular consequence: missense variant.
Genome position (GRCh38, 1-based): chr15:50,748,737, G>A on the plus strand (C>T on the coding strand, the complement: SPPL2A is on the minus strand). VCF-style: chr15-50748737-G-A. GRCh37 (hg19) VCF-style: chr15-51040934-G-A.
Other names: short protein forms A104V.
Identifiers: ClinVar variation 1461316 (VCV001461316.8), dbSNP rs535221557, ClinGen allele CA7558534.
Genomic context (GRCh38, chr15:50,748,737, plus strand): 5'-TTATAACTTACTAGGACACTGTTATTGACAACTAACATTGCTTCAGCACCTCCTTTCTGT[G>A]CAATTCTGGCTTTTTCAAGAAAATGGCAGCTTCCCCATGGAACCACAACTGCTTTGCTCT-3'
Protein context (NP_116191.2, residues 94-114): SCHFLEKARI[Ala104Val]QKGGAEAMLV